The following is an entry in ClinVar:

NM_001040108.2(MLH3):c.3151G>T (p.Ala1051Ser)

Gene: MLH3 (mutL homolog 3; minus strand). Cytogenetic location: 14q24.3.
Variant type: single nucleotide variant.
Coding change: c.3151G>T on transcript NM_001040108.2 (MANE Select); coding-DNA position 3151, G replaced by T.
Protein change: p.Ala1051Ser; replaces alanine 1051 with serine.
Molecular consequence: missense variant.
Genome position (GRCh38, 1-based): chr14:75,046,505, C>A on the plus strand (G>T on the coding strand, the complement: MLH3 is on the minus strand). VCF-style: chr14-75046505-C-A. GRCh37 (hg19) VCF-style: chr14-75513208-C-A.
Other names: c.3151G>T, p.Ala1051Ser (NM_014381.3); short protein forms A1051S.
Identifiers: ClinVar variation 1728201 (VCV001728201.3), dbSNP rs1482097875, ClinGen allele CA390435726.

ClinVar aggregate classification (germline): Uncertain significance (1 of 4 stars; one submission).

gnomAD v4.1: 36 of 1,614,176 alleles (0.0022%); highest among the groups gnomAD compares: Non-Finnish European, 0.0029%; no homozygotes.

Submission:

Ambry Genetics
Classification: Uncertain significance. Last evaluated: 2024-05-16. Review status: criteria provided, single submitter. Criteria: Ambry Variant Classification Scheme 2023. Collection method: clinical testing. Allele origin: germline.
Comment: The p.A1051S variant (also known as c.3151G>T), located in coding exon 1 of the MLH3 gene, results from a G to T substitution at nucleotide position 3151. The alanine at codon 1051 is replaced by serine, an amino acid with similar properties. This amino acid position is conserved. In addition, this alteration is predicted to be tolerated by in silico analysis. Since supporting evidence is limited at this time, the clinical significance of this alteration remains unclear.